The following is an entry in ClinVar:

NC_000007.13:g.(?_156476772)_(156629599_?)dup

Gene: LMBR1 (limb development membrane protein 1; minus strand). Cytogenetic location: 7q36.3.
Variant type: Duplication.
Identifiers: ClinVar variation 2426759 (VCV002426759.3).

ClinVar aggregate classification (germline): Uncertain significance (1 of 4 stars; one submission).

Submission:

Labcorp Genetics (formerly Invitae), Labcorp
Classification: Uncertain significance. Last evaluated: 2022-01-28. Review status: criteria provided, single submitter. Criteria: Invitae Variant Classification Sherloc (09022015). Collection method: clinical testing. Allele origin: germline.
Comment: In summary, the available evidence is currently insufficient to determine the role of this variant in disease. Therefore, it has been classified as a Variant of Uncertain Significance. This variant has not been reported in the literature in individuals affected with LMBR1-related conditions. This variant results in a copy number gain of the genomic region encompassing exon(s) 2-17 of the LMBR1 gene. This region includes the termination codon of the gene. This copy number gain extends beyond the assayed region for this gene and therefore may encompass additional genes. As the precise location of this event is unknown, it may be in tandem or it may be located elsewhere in the genome.